The following is an entry in ClinVar:

Conditions:
Long QT syndrome 5 (LQT5). Identifiers: Orphanet 101016, Orphanet 768, MedGen C1867904, MONDO:0013372, OMIM 613695.

Submission:

Roden Lab, Vanderbilt University Medical Center
No classification provided (evidence only). Condition: Long QT syndrome 5. Review status: no classification provided. Collection method: in vitro. Allele origin: not applicable. Functional consequence: Effect on ion channel function.
ClinVar note: "not provided" was previously submitted as the classification for the variant. However, the classification appeared to be based only on an observation of functional data so it was converted to no classification on 2025-07-30.

NM_000219.6(KCNE1):c.333C>T (p.Asn111=)

Gene: KCNE1 (potassium voltage-gated channel subfamily E regulatory subunit 1; minus strand). Cytogenetic location: 21q22.12.
Variant type: single nucleotide variant.
Coding change: c.333C>T on transcript NM_000219.6 (MANE Select); coding-DNA position 333, C replaced by T.
Protein change: p.Asn111=; no amino-acid change (asparagine 111 retained).
Molecular consequence: synonymous variant.
Genome position (GRCh38, 1-based): chr21:34,449,302, G>A on the plus strand (C>T on the coding strand, the complement: KCNE1 is on the minus strand). VCF-style: chr21-34449302-G-A. GRCh37 (hg19) VCF-style: chr21-35821600-G-A.
Other names: c.333C>T, p.Asn111= (NM_001127668.4, NM_001127669.4, NM_001127670.4 and 4 more transcripts).
Identifiers: ClinVar variation 3374668 (VCV003374668.2).